The following is an entry in ClinVar:

NM_000257.4(MYH7):c.338T>A (p.Met113Lys)

Gene: MYH7 (myosin heavy chain 7; minus strand). Cytogenetic location: 14q11.2.
Variant type: single nucleotide variant.
Coding change: c.338T>A on transcript NM_000257.4 (MANE Select); coding-DNA position 338, T replaced by A.
Protein change: p.Met113Lys; replaces methionine 113 with lysine.
Molecular consequence: missense variant.
Genome position (GRCh38, 1-based): chr14:23,433,091, A>T on the plus strand (T>A on the coding strand, the complement: MYH7 is on the minus strand). VCF-style: chr14-23433091-A-T. GRCh37 (hg19) VCF-style: chr14-23902300-A-T.
Other names: short protein forms M113K.
Identifiers: ClinVar variation 653410 (VCV000653410.11), dbSNP rs1595091003, ClinGen allele CA389053042.

ClinVar aggregate classification (germline): Uncertain significance. Review status: criteria provided, multiple submitters, no conflicts (2 of 4 stars). 2 submissions from 2 submitters: Uncertain significance (2). Last evaluated 2024-03-07.

Conditions:
Cardiomyopathy (CMYO). Also called: Cardiomyopathies. Identifiers: Orphanet 167848, MedGen C0878544, MONDO:0004994, HP:0001638. Inheritance: Various modes of inheritance.
Hypertrophic cardiomyopathy. Also called: HYPERTROPHIC MYOCARDIOPATHY. Identifiers: Orphanet 217569, MedGen C0007194, MeSH D002312, MONDO:0005045, HP:0001639.

Allele frequency attached by ClinVar (database versions not stated): gnomAD exomes below 0.00001.

Submissions (2):

Color Diagnostics, LLC DBA Color Health
Classification: Uncertain significance for Cardiomyopathy. Last evaluated: 2024-03-07. Review status: criteria provided, single submitter. Criteria: ACMG Guidelines, 2015. Collection method: clinical testing. Allele origin: germline.
Comment: This missense variant replaces methionine with lysine at codon 113 of the MYH7 protein. Computational prediction suggests that this variant may have deleterious impact on protein structure and function (internally defined REVEL score threshold >= 0.7, PMID: 27666373). To our knowledge, functional studies have not been reported for this variant. This variant has not been reported in individuals affected with cardiovascular disorders in the literature. This variant has not been identified in the general population by the Genome Aggregation Database (gnomAD). The available evidence is insufficient to determine the role of this variant in disease conclusively. Therefore, this variant is classified as a Variant of Uncertain Significance.

Labcorp Genetics (formerly Invitae), Labcorp
Classification: Uncertain significance for Hypertrophic cardiomyopathy. Last evaluated: 2018-09-14. Review status: criteria provided, single submitter. Criteria: Invitae Variant Classification Sherloc (09022015). Collection method: clinical testing. Allele origin: germline.
Comment: This variant is not present in population databases (ExAC no frequency). This variant has not been reported in the literature in individuals with MYH7-related disease. Algorithms developed to predict the effect of missense changes on protein structure and function are either unavailable or do not agree on the potential impact of this missense change (SIFT: "Deleterious"; PolyPhen-2: "Probably Damaging"; Align-GVGD: "Class C0"). Algorithms developed to predict the effect of sequence changes on RNA splicing suggest that this variant may create or strengthen a splice site, but this prediction has not been confirmed by published transcriptional studies. In summary, the available evidence is currently insufficient to determine the role of this variant in disease. Therefore, it has been classified as a Variant of Uncertain Significance. This sequence change replaces methionine with lysine at codon 113 of the MYH7 protein (p.Met113Lys). The methionine residue is highly conserved and there is a moderate physicochemical difference between methionine and lysine.